The following is an entry in ClinVar:

NM_000540.3(RYR1):c.269A>C (p.Glu90Ala)

Gene: RYR1 (ryanodine receptor 1; plus strand). Cytogenetic location: 19q13.2.
Variant type: single nucleotide variant.
Coding change: c.269A>C on transcript NM_000540.3 (MANE Select); coding-DNA position 269, A replaced by C.
Protein change: p.Glu90Ala; replaces glutamic acid 90 with alanine.
Molecular consequence: missense variant.
Genome position (GRCh38, 1-based): chr19:38,442,452, A>C. VCF-style: chr19-38442452-A-C. GRCh37 (hg19) VCF-style: chr19-38933092-A-C.
Other names: c.269A>C, p.Glu90Ala (NM_001042723.2); short protein forms E90A.
Identifiers: ClinVar variation 4758046 (VCV004758046.1).

ClinVar aggregate classification (germline): Uncertain significance (1 of 4 stars; one submission).

Conditions:
Malignant hyperthermia, susceptibility to, 1 (MHS1). Also called: RYR1-Related Malignant Hyperthermia Susceptibility; Malignant hyperthermia suceptibility 1; Anesthesia related hyperthermia; Malignant hyperpyrexia; Fulminating hyperpyrexia; Pharmacogenic myopathy. Identifiers: Orphanet 423, MedGen C2930980, MONDO:0007783, OMIM 145600.

gnomAD v4.1: 2 of 1,610,838 alleles (0.00012%); highest among the groups gnomAD compares: Non-Finnish European, 0.00017%; no homozygotes.

Submission:

Color Diagnostics, LLC DBA Color Health
Classification: Uncertain significance for Malignant hyperthermia, susceptibility to, 1. Last evaluated: 2025-08-25. Review status: criteria provided, single submitter. Criteria: ACMG Guidelines, 2015. Collection method: clinical testing. Allele origin: germline.
Comment: This missense variant replaces glutamic acid with alanine at codon 90 of the RYR1 protein. Computational prediction is inconclusive regarding the impact of this variant on protein structure and function. To our knowledge, functional studies have not been reported for this variant. This variant has not been reported in individuals affected with RYR1-related disorders in the literature. This variant has been identified in 1/250798 chromosomes in the general population by the Genome Aggregation Database (gnomAD). The available evidence is insufficient to determine the role of this variant in disease conclusively. Therefore, this variant is classified as a Variant of Uncertain Significance.